The following is an entry in ClinVar:

NM_138295.5(PKD1L1):c.7950C>A (p.Ile2650=)

Genes: PKD1L1 (polycystin 1 like 1, transient receptor potential channel interacting; minus strand), PKD1L1-AS1 (PKD1L1 antisense RNA 1; plus strand). Cytogenetic location: 7p12.3.
Variant type: single nucleotide variant.
Coding change: c.7950C>A on transcript NM_138295.5 (MANE Select); coding-DNA position 7950, C replaced by A.
Protein change: p.Ile2650=; no amino-acid change (isoleucine 2650 retained).
Molecular consequence: synonymous variant.
Genome position (GRCh38, 1-based): chr7:47,803,222, G>T on the plus strand (C>A on the coding strand, the complement: PKD1L1 is on the minus strand). VCF-style: chr7-47803222-G-T. GRCh37 (hg19) VCF-style: chr7-47842820-G-T.
Identifiers: ClinVar variation 4990194 (VCV004990194.1).

ClinVar aggregate classification (germline): Likely benign (1 of 4 stars; one submission).

Conditions:
PKD1L1-related disorder. Also called: PKD1L1-related condition.

gnomAD v4.1: 43 of 1,614,160 alleles (0.0027%); highest among the groups gnomAD compares: South Asian, 0.046%; no homozygotes.

Submission:

PreventionGenetics, part of Exact Sciences
Classification: Likely benign for PKD1L1-related condition. Last evaluated: 2024-10-14. Review status: criteria provided, single submitter. Criteria: ACMG Guidelines, 2015. Collection method: clinical testing. Allele origin: germline.
Comment: This variant is classified as likely benign based on ACMG/AMP sequence variant interpretation guidelines (Richards et al. 2015 PMID: 25741868, with internal and published modifications).